The following is an entry in ClinVar:

NM_001429.4(EP300):c.6923G>A (p.Arg2308His)

Gene: EP300 (EP300 lysine acetyltransferase; plus strand). Cytogenetic location: 22q13.2.
Variant type: single nucleotide variant.
Coding change: c.6923G>A on transcript NM_001429.4 (MANE Select); coding-DNA position 6923, G replaced by A.
Protein change: p.Arg2308His; replaces arginine 2308 with histidine.
Molecular consequence: missense variant.
Genome position (GRCh38, 1-based): chr22:41,178,634, G>A. VCF-style: chr22-41178634-G-A. GRCh37 (hg19) VCF-style: chr22-41574638-G-A.
Other names: c.6845G>A, p.Arg2282His (NM_001362843.2); c.6923G>A (NM_001429.3); short protein forms R2282H, R2308H.
Identifiers: ClinVar variation 1446432 (VCV001446432.30), dbSNP rs759647202, ClinGen allele CA10253981.

ClinVar aggregate classification (germline): Likely benign. Review status: criteria provided, multiple submitters, no conflicts (2 of 4 stars). 3 submissions from 3 submitters: Likely benign (2). 1 of the submissions does not count toward it. Last evaluated 2025-02-27.

Conditions:
EP300-related disorder. Also called: EP300-related disorders; EP300-related condition.
Rubinstein-Taybi syndrome due to EP300 haploinsufficiency. Also called: EP300-Related Rubinstein-Taybi Syndrome; RUBINSTEIN-TAYBI SYNDROME 2. Identifiers: Orphanet 353284, Orphanet 783, MedGen C3150941, MONDO:0013364, OMIM 613684.

Allele frequency attached by ClinVar (database versions not stated): ExAC 0.00001; gnomAD exomes 0.00002; TOPMed 0.00002; gnomAD 0.00003 and 0.00004.
gnomAD v4.1: 43 of 1,613,846 alleles (0.0027%); highest among the groups gnomAD compares: East Asian, 0.0045%; no homozygotes.

Submissions (3):

Labcorp Genetics (formerly Invitae), Labcorp
Classification: Likely benign for Rubinstein-Taybi syndrome due to EP300 haploinsufficiency. Last evaluated: 2025-02-27. Review status: criteria provided, single submitter. Criteria: Invitae Variant Classification Sherloc (09022015). Collection method: clinical testing. Allele origin: germline.

CeGaT Center for Human Genetics Tuebingen
Classification: Likely benign. Last evaluated: 2023-11-01. Review status: criteria provided, single submitter. Criteria: CeGaT Center For Human Genetics Tuebingen Variant Classification Criteria Version 2. Collection method: clinical testing. Allele origin: germline. Affected: yes. Observed: 2 variant alleles.
Comment: EP300: BS1

PreventionGenetics, part of Exact Sciences
Classification: Likely benign for EP300-related condition. Last evaluated: 2023-10-18. Review status: no assertion criteria provided. Collection method: clinical testing. Allele origin: germline. Not counted in ClinVar's aggregate classification.
Comment: This variant is classified as likely benign based on ACMG/AMP sequence variant interpretation guidelines (Richards et al. 2015 PMID: 25741868, with internal and published modifications).